The following is an entry in ClinVar:

ClinVar aggregate classification (germline): Likely benign. Review status: criteria provided, multiple submitters, no conflicts (2 of 4 stars). 2 submissions from 2 submitters: Likely benign (2). Last evaluated 2025-10-21.

Conditions:
EIF2B2-related disorder. Also called: EIF2B2-related condition.

Allele frequency attached by ClinVar (database versions not stated): gnomAD exomes below 0.00001 and 0.00001; gnomAD 0.00001; ExAC 0.00002; TOPMed 0.00002.
gnomAD v4.1: 8 of 1,614,012 alleles (0.0005%); highest among the groups gnomAD compares: Non-Finnish European, 0.00059%; no homozygotes.

Submissions (2):

PreventionGenetics, part of Exact Sciences
Classification: Likely benign for EIF2B2-related condition. Last evaluated: 2025-10-21. Review status: criteria provided, single submitter. Criteria: ACMG Guidelines, 2015. Collection method: clinical testing. Allele origin: germline.
Comment: This variant is classified as likely benign based on ACMG/AMP sequence variant interpretation guidelines (Richards et al. 2015 PMID: 25741868, with internal and published modifications).

Labcorp Genetics (formerly Invitae), Labcorp
Classification: Likely benign. Last evaluated: 2018-04-17. Review status: criteria provided, single submitter. Criteria: Invitae Variant Classification Sherloc (09022015). Collection method: clinical testing. Allele origin: germline.

NM_014239.4(EIF2B2):c.15A>C (p.Ala5=)

Gene: EIF2B2 (eukaryotic translation initiation factor 2B subunit beta; plus strand). Cytogenetic location: 14q24.3.
Variant type: single nucleotide variant.
Coding change: c.15A>C on transcript NM_014239.4 (MANE Select); coding-DNA position 15, A replaced by C.
Protein change: p.Ala5=; no amino-acid change (alanine 5 retained).
Molecular consequence: synonymous variant.
Genome position (GRCh38, 1-based): chr14:75,003,005, A>C. VCF-style: chr14-75003005-A-C. GRCh37 (hg19) VCF-style: chr14-75469708-A-C.
Identifiers: ClinVar variation 740891 (VCV000740891.4), dbSNP rs752315506, ClinGen allele CA7274758.
Genomic context (GRCh38, chr14:75,003,005, plus strand): 5'-CAGGTGTGGATTCCGCCGGTGAAGGCTGAAGGCAGCTACCTTAAAGATGCCGGGATCCGC[A>C]GCGAAGGGCTCGGAGTTGTCAGAGAGGATCGAGAGCTTCGTGGAGACCCTGAAGCGGGGT-3'
Protein context (NP_055054.1, residues 1-15): MPGS[Ala5=]AKGSELSERI